The following is an entry in ClinVar:

ClinVar aggregate classification (germline): Uncertain significance (1 of 4 stars; one submission).

Submission:

GeneDx
Classification: Uncertain significance. Last evaluated: 2019-04-18. Review status: criteria provided, single submitter. Criteria: GeneDx Variant Classification Process June 2021. Collection method: clinical testing. Allele origin: germline. Affected: yes.
Comment: Not observed in large population cohorts (Lek et al., 2016); In silico analysis, which includes protein predictors and evolutionary conservation, supports that this variant does not alter protein structure/function; Has not been previously published as pathogenic or benign to our knowledge

NM_001353214.3(DYM):c.934A>G (p.Lys312Glu)

Gene: DYM (dymeclin; minus strand). Cytogenetic location: 18q21.1.
Variant type: single nucleotide variant.
Coding change: c.934A>G on transcript NM_001353214.3 (MANE Select); coding-DNA position 934, A replaced by G.
Protein change: p.Lys312Glu; replaces lysine 312 with glutamic acid.
Molecular consequence: missense variant. On other transcripts: intron variant (1).
Genome position (GRCh38, 1-based): chr18:49,286,446, T>C on the plus strand (A>G on the coding strand, the complement: DYM is on the minus strand). VCF-style: chr18-49286446-T-C. GRCh37 (hg19) VCF-style: chr18-46812816-T-C.
Other names: c.931A>G, p.Lys311Glu (NM_001353210.3, NM_001353211.3, NM_001353212.3 and 3 more transcripts); c.934A>G, p.Lys312Glu (NM_001353215.3, NM_001353216.3, NM_001374428.1 and 5 more transcripts); c.928A>G, p.Lys310Glu (NM_001374429.1, NM_001374439.1); c.808A>G, p.Lys270Glu (NM_001374432.1, NM_001374436.1); c.706A>G, p.Lys236Glu (NM_001374440.1); c.364A>G, p.Lys122Glu (NM_001374441.1, NM_001374442.1, NM_001374444.1); c.361A>G, p.Lys121Glu (NM_001374443.1); c.764-4271A>G (NM_001374437.1); short protein forms K121E, K122E, K236E, K270E, K310E, K311E, K312E.
Identifiers: ClinVar variation 1198985 (VCV001198985.2), dbSNP rs2145831177, ClinGen allele CA402508349.